The following is an entry in ClinVar:

ClinVar aggregate classification (germline): Likely pathogenic (1 of 4 stars; one submission).

Conditions:
Joubert syndrome. Also called: Familial aplasia of the vermis; JOUBERT-BOLTSHAUSER SYNDROME; CEREBELLOPARENCHYMAL DISORDER IV. Identifiers: Orphanet 475, MedGen C5979921, MONDO:0018772.

Submission:

Natera, Inc.
Classification: Likely pathogenic for Joubert syndrome. Last evaluated: 2024-11-07. Review status: criteria provided, single submitter. Criteria: Natera Variant Classification Schema (03/2026). Collection method: clinical testing. Allele origin: germline.
Comment: The c.1700-2del variant in RPGRIP1L is a canonical splice acceptor site variant predicted to affect pre-mRNA splicing, which may result in an abnormal transcript and altered protein product. This variant is expected to result in nonsense mediated decay, truncation, or a dysfunctional protein product. This variant is rare in the general population with a frequency below the threshold expected for the associated phenotype(s). Given the available evidence, this variant is classified as Likely Pathogenic.

NM_015272.5(RPGRIP1L):c.1700-2del

Gene: RPGRIP1L (RPGRIP1 like; minus strand). Cytogenetic location: 16q12.2.
Variant type: Deletion.
Coding change: c.1700-2del on transcript NM_015272.5 (MANE Select); the canonical splice acceptor site of the intron before coding-DNA position 1700, one base deleted (A; older notation c.1700-2delA).
Molecular consequence: splice acceptor variant.
Genome position (GRCh38, 1-based): chr16:53,652,989, T deleted on the plus strand (A on the coding strand, the reverse complement: RPGRIP1L is on the minus strand). VCF-style (leftmost placement, unchanged base first): chr16-53652988-CT-C. GRCh37 (hg19) VCF-style: chr16-53686900-CT-C.
Other names: c.1700-2del (NM_001127897.4, NM_001330538.2, NM_001308334.3).
Identifiers: ClinVar variation 4815831 (VCV004815831.1).
Genomic context (GRCh38, chr16:53,652,988, plus strand): 5'-GCATGATTTCTGGTTTAAATTTGTACTGCTTGGTGCCATAGGCAATATCCTTTAATTGGG[CT>C]GCAAGAGAAGACACACAGTTTAGAGATTTCAAAATATTGACATGAGAAAATGAAAACTGG-3'